The following is an entry in ClinVar:

ClinVar aggregate classification (germline): Uncertain significance (1 of 4 stars; one submission).

Conditions:
Werner syndrome (WRN). Identifiers: Orphanet 902, MedGen C0043119, MONDO:0010196, OMIM 277700.

Submission:

Labcorp Genetics (formerly Invitae), Labcorp
Classification: Uncertain significance for Werner syndrome. Last evaluated: 2021-01-07. Review status: criteria provided, single submitter. Criteria: Invitae Variant Classification Sherloc (09022015). Collection method: clinical testing. Allele origin: germline.
Comment: Algorithms developed to predict the effect of missense changes on protein structure and function are either unavailable or do not agree on the potential impact of this missense change (SIFT: "Not Available"; PolyPhen-2: "Probably Damaging"; Align-GVGD: "Not Available"). In summary, the available evidence is currently insufficient to determine the role of this variant in disease. Therefore, it has been classified as a Variant of Uncertain Significance. Algorithms developed to predict the effect of sequence changes on RNA splicing suggest that this variant may create or strengthen a splice site, but this prediction has not been confirmed by published transcriptional studies. This variant has not been reported in the literature in individuals with WRN-related conditions. This variant is not present in population databases (ExAC no frequency). This sequence change replaces threonine with serine at codon 573 of the WRN protein (p.Thr573Ser). The threonine residue is highly conserved and there is a small physicochemical difference between threonine and serine.

NM_000553.6(WRN):c.1718C>G (p.Thr573Ser)

Gene: WRN (WRN RecQ like helicase; plus strand). Cytogenetic location: 8p12.
Variant type: single nucleotide variant.
Coding change: c.1718C>G on transcript NM_000553.6 (MANE Select); coding-DNA position 1718, C replaced by G.
Protein change: p.Thr573Ser; replaces threonine 573 with serine.
Molecular consequence: missense variant.
Genome position (GRCh38, 1-based): chr8:31,090,530, C>G. VCF-style: chr8-31090530-C-G. GRCh37 (hg19) VCF-style: chr8-30948046-C-G.
Other names: short protein forms T573S.
Identifiers: ClinVar variation 1351844 (VCV001351844.6), dbSNP rs2130171655, ClinGen allele CA370927171.